The following is an entry in ClinVar:

NM_012330.4(KAT6B):c.4750A>G (p.Ile1584Val)

Gene: KAT6B (lysine acetyltransferase 6B; plus strand). Cytogenetic location: 10q22.2.
Variant type: single nucleotide variant.
Coding change: c.4750A>G on transcript NM_012330.4 (MANE Select); coding-DNA position 4750, A replaced by G.
Protein change: p.Ile1584Val; replaces isoleucine 1584 with valine.
Molecular consequence: missense variant.
Genome position (GRCh38, 1-based): chr10:75,029,574, A>G. VCF-style: chr10-75029574-A-G. GRCh37 (hg19) VCF-style: chr10-76789332-A-G.
Other names: c.4201A>G, p.Ile1401Val (NM_001256468.2, NM_001370138.1); c.3874A>G, p.Ile1292Val (NM_001256469.2, NM_001370139.1, NM_001370140.1 and 2 more transcripts); c.3712A>G, p.Ile1238Val (NM_001370132.1); c.3061A>G, p.Ile1021Val (NM_001370133.1); c.2665A>G, p.Ile889Val (NM_001370134.1); c.2407A>G, p.Ile803Val (NM_001370135.1); c.4750A>G, p.Ile1584Val (NM_001370136.1, NM_001370137.1); c.3685A>G, p.Ile1229Val (NM_001370143.1, NM_001370144.1); short protein forms I1021V, I1238V, I1401V, I1584V, I889V, I1292V, I803V, I1229V.
Identifiers: ClinVar variation 2297092 (VCV002297092.3), dbSNP rs758921740, ClinGen allele CA5565088.

ClinVar aggregate classification (germline): Uncertain significance. Review status: criteria provided, multiple submitters, no conflicts (2 of 4 stars). 2 submissions from 2 submitters: Uncertain significance (2). Last evaluated 2024-05-18.

Conditions:
Genitopatellar syndrome (GTPTS). Also called: Genitopatellar syndrome (GPS); ABSENT PATELLAE, SCROTAL HYPOPLASIA, RENAL ANOMALIES, FACIAL DYSMORPHISM, AND MENTAL RETARDATION. Identifiers: Orphanet 85201, MedGen C1853566, MONDO:0011640, OMIM 606170.
Inborn genetic diseases. Identifiers: MedGen C0950123, MeSH D030342.

Allele frequency attached by ClinVar (database versions not stated): TOPMed below 0.00001; ExAC 0.00001.

Submissions (2):

Labcorp Genetics (formerly Invitae), Labcorp
Classification: Uncertain significance for Genitopatellar syndrome. Last evaluated: 2024-05-18. Review status: criteria provided, single submitter. Criteria: Invitae Variant Classification Sherloc (09022015). Collection method: clinical testing. Allele origin: germline.
Comment: This sequence change replaces isoleucine, which is neutral and non-polar, with valine, which is neutral and non-polar, at codon 1584 of the KAT6B protein (p.Ile1584Val). This variant is present in population databases (rs758921740, gnomAD 0.003%). This variant has not been reported in the literature in individuals affected with KAT6B-related conditions. ClinVar contains an entry for this variant (Variation ID: 2297092). Advanced modeling of protein sequence and biophysical properties (such as structural, functional, and spatial information, amino acid conservation, physicochemical variation, residue mobility, and thermodynamic stability) performed at Invitae indicates that this missense variant is not expected to disrupt KAT6B protein function with a negative predictive value of 80%. In summary, the available evidence is currently insufficient to determine the role of this variant in disease. Therefore, it has been classified as a Variant of Uncertain Significance.

Ambry Genetics
Classification: Uncertain significance for Inborn genetic diseases. Last evaluated: 2022-06-24. Review status: criteria provided, single submitter. Criteria: Ambry Variant Classification Scheme 2023. Collection method: clinical testing. Allele origin: germline.